The following is an entry in ClinVar:

ClinVar aggregate classification (germline): Benign/Likely benign. Review status: criteria provided, multiple submitters, no conflicts (2 of 4 stars). 14 submissions from 14 submitters: Benign (10); Likely benign (1). 3 of the submissions do not count toward it. Last evaluated 2026-06-16.

Conditions:
Inborn genetic diseases. Identifiers: MedGen C0950123, MeSH D030342.
Cortical dysplasia-focal epilepsy syndrome (PTHSL1). Also called: Pitt-Hopkins-like syndrome 1. Identifiers: Orphanet 163681, Orphanet 221150, MedGen C2750246, MONDO:0012400, OMIM 610042.

Allele frequency attached by ClinVar (database versions not stated): ESP Exome Variant Server 0.16154; gnomAD 0.18203 and 0.18667; TOPMed 0.18691; gnomAD exomes 0.19425 and 0.21843; ExAC 0.21163; 1000 Genomes Project 30x 0.22064; 1000 Genomes Project 0.22145.
gnomAD v4.1: 311,766 of 1,613,586 alleles (19%); highest among the groups gnomAD compares: Admixed American, 33%; 32,279 homozygotes.

Submissions (14):

Women's Health and Genetics/Laboratory Corporation of America, LabCorp
Classification: Benign. Last evaluated: 2026-06-16. Review status: criteria provided, single submitter. Criteria: LabCorp Variant Classification Summary - May 2015. Collection method: clinical testing. Allele origin: germline.

Labcorp Genetics (formerly Invitae), Labcorp
Classification: Benign for Cortical dysplasia-focal epilepsy syndrome. Last evaluated: 2026-02-04. Review status: criteria provided, single submitter. Criteria: Invitae Variant Classification Sherloc (09022015). Collection method: clinical testing. Allele origin: germline.

Blueprint Genetics
Classification: Likely benign. Last evaluated: 2024-11-27. Review status: criteria provided, single submitter. Criteria: ACMG Guidelines, 2015. Collection method: clinical testing. Allele origin: germline.

Mayo Clinic Laboratories, Mayo Clinic
Classification: Benign. Last evaluated: 2018-04-02. Review status: criteria provided, single submitter. Criteria: ACMG Guidelines, 2015. Collection method: clinical testing. Allele origin: germline. Observed: 203 variant alleles.

Illumina Laboratory Services, Illumina
Classification: Benign for Cortical dysplasia-focal epilepsy syndrome. Last evaluated: 2018-01-13. Review status: criteria provided, single submitter. Criteria: ICSL Variant Classification Criteria 13 December 2019. Collection method: clinical testing. Allele origin: germline.
Comment: This variant was observed in the ICSL laboratory as part of a predisposition screen in an ostensibly healthy population. It had not been previously curated by ICSL or reported in the Human Gene Mutation Database (HGMD: prior to June 1st, 2018), and was therefore a candidate for classification through an automated scoring system. Utilizing variant allele frequency, disease prevalence and penetrance estimates, and inheritance mode, an automated score was calculated to assess if this variant is too frequent to cause the disease. Based on the score and internal cut-off values, a variant classified as benign is not then subjected to further curation. The score for this variant resulted in a classification of benign for this disease.

Athena Diagnostics
Classification: Benign for Cortical dysplasia-focal epilepsy syndrome. Last evaluated: 2017-04-28. Review status: criteria provided, single submitter. Criteria: Athena Diagnostics Criteria. Collection method: clinical testing. Allele origin: germline.

Ambry Genetics
Classification: Benign for Inborn genetic diseases. Last evaluated: 2016-02-22. Review status: criteria provided, single submitter. Criteria: Ambry Variant Classification Scheme 2023. Collection method: clinical testing. Allele origin: germline.

GeneDx
Classification: Benign. Last evaluated: 2015-03-03. Review status: criteria provided, single submitter. Criteria: GeneDx Variant Classification Process June 2021. Collection method: clinical testing. Allele origin: germline. Affected: yes.

Eurofins Ntd Llc (ga)
Classification: Benign. Last evaluated: 2014-01-17. Review status: criteria provided, single submitter. Criteria: EGL Classification Definitions 2015. Collection method: clinical testing. Allele origin: germline. Observed: 12 variant alleles, 12 heterozygotes.

Breakthrough Genomics
Classification: Benign. Review status: criteria provided, single submitter. Criteria: ACMG Guidelines, 2015. Collection method: not provided. Allele origin: germline. Inheritance: Autosomal recessive inheritance. Affected: yes.

PreventionGenetics, part of Exact Sciences
Classification: Benign. Review status: criteria provided, single submitter. Criteria: ACMG Guidelines, 2015. Collection method: clinical testing. Allele origin: germline.

Clinical Genetics DNA and cytogenetics Diagnostics Lab, Erasmus MC, Erasmus Medical Center
Classification: Benign. Review status: no assertion criteria provided. Collection method: clinical testing. Allele origin: germline. Affected: yes. Study: VKGL Data-share Consensus. Not counted in ClinVar's aggregate classification.

Genetic Services Laboratory, University of Chicago
Classification: Likely benign for AllHighlyPenetrant. Review status: no assertion criteria provided. Collection method: clinical testing. Allele origin: germline. Inheritance: Autosomal recessive inheritance. Not counted in ClinVar's aggregate classification.
Comment: Likely benign based on allele frequency in 1000 Genomes Project or ESP global frequency and its presence in a patient with a rare or unrelated disease phenotype. NOT Sanger confirmed.

Genome Diagnostics Laboratory, University Medical Center Utrecht
Classification: Benign. Review status: no assertion criteria provided. Collection method: clinical testing. Allele origin: germline. Affected: yes. Study: VKGL Data-share Consensus. Not counted in ClinVar's aggregate classification.

NM_014141.6(CNTNAP2):c.3248-4A>G

Gene: CNTNAP2 (contactin associated protein 2; plus strand). Cytogenetic location: 7q36.1.
Variant type: single nucleotide variant.
Coding change: c.3248-4A>G on transcript NM_014141.6 (MANE Select); 4 bases into the intron before coding-DNA position 3248, A replaced by G.
Molecular consequence: intron variant.
Genome position (GRCh38, 1-based): chr7:148,229,642, A>G. VCF-style: chr7-148229642-A-G. GRCh37 (hg19) VCF-style: chr7-147926734-A-G.
Other names: p.?.
Identifiers: ClinVar variation 95566 (VCV000095566.34), dbSNP rs3779031, ClinGen allele CA148625.